The following is an entry in ClinVar:

NM_016604.4(KDM3B):c.2360A>T (p.Asn787Ile)

Gene: KDM3B (lysine demethylase 3B; plus strand). Cytogenetic location: 5q31.2.
Variant type: single nucleotide variant.
Coding change: c.2360A>T on transcript NM_016604.4 (MANE Select); coding-DNA position 2360, A replaced by T.
Protein change: p.Asn787Ile; replaces asparagine 787 with isoleucine.
Molecular consequence: missense variant.
Genome position (GRCh38, 1-based): chr5:138,391,992, A>T. VCF-style: chr5-138391992-A-T. GRCh37 (hg19) VCF-style: chr5-137727681-A-T.
Other names: short protein forms N787I.
Identifiers: ClinVar variation 4056534 (VCV004056534.1).
Genomic context (GRCh38, chr5:138,391,992, plus strand): 5'-ACGTCTTTGGCAGGCACTCAGGCGGCTTTCTGTCCTCCCCGGCAGATTTTTCACAGGAGA[A>T]CAAAGCTCCTTTTGAAGCTGTGAAAAGGTTCTCACTGGATGAACGAAGCTTGGCTTGCAG-3'
Protein context (NP_057688.3, residues 777-797): LSSPADFSQE[Asn787Ile]KAPFEAVKRF

ClinVar aggregate classification (germline): Uncertain significance (1 of 4 stars; one submission).

Conditions:
Diets-Jongmans syndrome. Also called: INTELLECTUAL DEVELOPMENTAL DISORDER WITH DISTINCTIVE FACIAL DYSMORPHISM. Identifiers: MedGen C5394263, MONDO:0030012, OMIM 618846.

gnomAD v4.1: 1 of 1,613,936 alleles (0.000062%); highest among the groups gnomAD compares: Non-Finnish European, 0.000085%; no homozygotes.

Submission:

Laboratorio de Genetica e Diagnostico Molecular, Hospital Israelita Albert Einstein
Classification: Uncertain significance for Diets-Jongmans syndrome. Last evaluated: 2024-02-18. Review status: criteria provided, single submitter. Criteria: ACMG Guidelines, 2015. Collection method: clinical testing. Allele origin: germline. Affected: yes.
Comment: ACMG classification criteria: PM2 moderate, PP2 supporting, BP4 supporting